The following is an entry in ClinVar:

ClinVar aggregate classification (germline): Uncertain significance (1 of 4 stars; one submission).

Conditions:
Hyperekplexia 3 (HKPX3). Also called: HYPEREKPLEXIA 3, AUTOSOMAL RECESSIVE; HYPEREKPLEXIA 3, AUTOSOMAL DOMINANT. Identifiers: Orphanet 3197, MedGen C3553288, MONDO:0013827, OMIM 614618.

Submission:

Labcorp Genetics (formerly Invitae), Labcorp
Classification: Uncertain significance for Hyperekplexia 3. Last evaluated: 2022-04-04. Review status: criteria provided, single submitter. Criteria: Invitae Variant Classification Sherloc (09022015). Collection method: clinical testing. Allele origin: germline.
Comment: In summary, the available evidence is currently insufficient to determine the role of this variant in disease. Therefore, it has been classified as a Variant of Uncertain Significance. Advanced modeling of protein sequence and biophysical properties (such as structural, functional, and spatial information, amino acid conservation, physicochemical variation, residue mobility, and thermodynamic stability) performed at Invitae indicates that this missense variant is not expected to disrupt SLC6A5 protein function. This variant has not been reported in the literature in individuals affected with SLC6A5-related conditions. This variant is present in population databases (rs759574943, gnomAD 0.01%). This sequence change replaces threonine, which is neutral and polar, with isoleucine, which is neutral and non-polar, at codon 146 of the SLC6A5 protein (p.Thr146Ile).

NM_004211.5(SLC6A5):c.437C>T (p.Thr146Ile)

Gene: SLC6A5 (solute carrier family 6 member 5; plus strand). Cytogenetic location: 11p15.1.
Variant type: single nucleotide variant.
Coding change: c.437C>T on transcript NM_004211.5 (MANE Select); coding-DNA position 437, C replaced by T.
Protein change: p.Thr146Ile; replaces threonine 146 with isoleucine.
Molecular consequence: missense variant. On other transcripts: 5 prime UTR variant (1).
Genome position (GRCh38, 1-based): chr11:20,601,562, C>T. VCF-style: chr11-20601562-C-T. GRCh37 (hg19) VCF-style: chr11-20623108-C-T.
Other names: c.-127C>T (NM_001318369.2); short protein forms T146I.
Identifiers: ClinVar variation 1431363 (VCV001431363.9), dbSNP rs759574943, ClinGen allele CA5921083.